The following is an entry in ClinVar:

ClinVar aggregate classification (germline): Uncertain significance (1 of 4 stars; one submission).

gnomAD v4.1: 362 of 1,611,680 alleles (0.022%); highest among the groups gnomAD compares: Non-Finnish European, 0.026%; no homozygotes.

Submission:

Labcorp Genetics (formerly Invitae), Labcorp
Classification: Uncertain significance. Last evaluated: 2024-05-23. Review status: criteria provided, single submitter. Criteria: Invitae Variant Classification Sherloc (09022015). Collection method: clinical testing. Allele origin: germline.
Comment: This sequence change replaces aspartic acid, which is acidic and polar, with asparagine, which is neutral and polar, at codon 354 of the WDR36 protein (p.Asp354Asn). This variant is present in population databases (rs201449456, gnomAD 0.04%). This missense change has been observed in individual(s) with primary open angle glaucoma (PMID: 17353431). Advanced modeling of protein sequence and biophysical properties (such as structural, functional, and spatial information, amino acid conservation, physicochemical variation, residue mobility, and thermodynamic stability) performed at Invitae indicates that this missense variant is expected to disrupt WDR36 protein function with a positive predictive value of 80%. In summary, the available evidence is currently insufficient to determine the role of this variant in disease. Therefore, it has been classified as a Variant of Uncertain Significance.

Literature cited by the submitters: PubMed 17353431.

NM_139281.3(WDR36):c.892G>A (p.Asp298Asn)

Gene: WDR36 (WD repeat domain 36; plus strand). Cytogenetic location: 5q22.1.
Variant type: single nucleotide variant.
Coding change: c.892G>A on transcript NM_139281.3 (MANE Select); coding-DNA position 892, G replaced by A.
Protein change: p.Asp298Asn; replaces aspartic acid 298 with asparagine.
Molecular consequence: missense variant.
Genome position (GRCh38, 1-based): chr5:111,104,338, G>A. VCF-style: chr5-111104338-G-A. GRCh37 (hg19) VCF-style: chr5-110440037-G-A.
Other names: short protein forms D298N.
Identifiers: ClinVar variation 3712399 (VCV003712399.2).